The following is an entry in ClinVar:

NM_000051.4(ATM):c.662+8_662+9dup

Gene: ATM (ATM serine/threonine kinase; plus strand). Cytogenetic location: 11q22.3.
Variant type: Duplication.
Coding change: c.662+8_662+9dup on transcript NM_000051.4 (MANE Select); bases 8 to 9 of the intron after coding-DNA position 662, 2 bases duplicated (AA; older notation c.662+8_662+9dupAA).
Molecular consequence: intron variant.
Genome position (GRCh38, 1-based): chr11:108,244,126-108,244,127, AA duplicated. VCF-style (leftmost placement, unchanged base first): chr11-108244125-T-TAA. GRCh37 (hg19) VCF-style: chr11-108114852-T-TAA.
Other names: c.662+8_662+9dup (NM_001351834.2).
Identifiers: ClinVar variation 797911 (VCV000797911.13), dbSNP rs1591500816, ClinGen allele CA915947720.

ClinVar aggregate classification (germline): Conflicting classifications of pathogenicity. Review status: criteria provided, conflicting classifications (1 of 4 stars). 3 submissions from 3 submitters: Uncertain significance (1); Likely benign (2). Last evaluated 2026-01-05.

Conditions:
Familial cancer of breast. Also called: hereditary breast carcinoma; Hereditary breast cancer; BREAST CANCER, FAMILIAL. Identifiers: Orphanet 227535, MedGen C0346153, MONDO:0016419, OMIM 114480. Disease mechanism: loss of function.
Ataxia-telangiectasia syndrome (AT). Also called: Cerebello-oculocutaneous telangiectasia; Immunodeficiency with ataxia telangiectasia; Ataxia-telangiectasia, complementation group E; LOUIS-BAR SYNDROME; Ataxia telangiectasia (A-T); Ataxia-telangiectasia, complementation group D. Identifiers: Orphanet 100, MedGen C0004135, MONDO:0008840, OMIM 208900.

Submissions (3):

Dasa
Classification: Uncertain significance. Last evaluated: 2026-01-05. Review status: criteria provided, single submitter. Criteria: DASA Assertion Criteria. Collection method: clinical testing. Allele origin: germline.
Comment: NM_000051.4(ATM):c.662+8_662+9dup is a splice-region variant predicted to affect normal RNA splicing. This variant is absent from population databases. The currently available literature and clinical evidence are not sufficient to establish a definitive association between this variant and the reported condition. Therefore, this variant is classified as a variant of uncertain significance.

Labcorp Genetics (formerly Invitae), Labcorp
Classification: Likely benign for Ataxia-telangiectasia syndrome. Last evaluated: 2025-02-04. Review status: criteria provided, single submitter. Criteria: Invitae Variant Classification Sherloc (09022015). Collection method: clinical testing. Allele origin: germline.

Myriad Genetics, Inc.
Classification: Likely benign for Familial cancer of breast. Last evaluated: 2024-04-22. Review status: criteria provided, single submitter. Criteria: Myriad Autosomal Dominant, Autosomal Recessive and X-Linked Classification Criteria (2023). Collection method: clinical testing. Allele origin: unknown.
Comment: This variant is considered likely benign. This variant is intronic and is not expected to impact mRNA splicing.